The following is an entry in ClinVar:

NM_153240.5(NPHP3):c.1748T>C (p.Met583Thr)

Genes: NPHP3 (nephrocystin 3; minus strand), NPHP3-ACAD11 (NPHP3-ACAD11 readthrough (NMD candidate); minus strand). Cytogenetic location: 3q22.1.
Variant type: single nucleotide variant.
Coding change: c.1748T>C on transcript NM_153240.5 (MANE Select); coding-DNA position 1748, T replaced by C.
Protein change: p.Met583Thr; replaces methionine 583 with threonine.
Molecular consequence: missense variant. On other transcripts: non-coding transcript variant (1).
Genome position (GRCh38, 1-based): chr3:132,700,057, A>G on the plus strand (T>C on the coding strand, the complement: NPHP3 is on the minus strand). VCF-style: chr3-132700057-A-G. GRCh37 (hg19) VCF-style: chr3-132418901-A-G.
Other names: short protein forms M583T.
Identifiers: ClinVar variation 1716939 (VCV001716939.5), dbSNP rs2530433667, ClinGen allele CA354582889.

ClinVar aggregate classification (germline): Uncertain significance (1 of 4 stars; one submission).

Conditions:
Nephronophthisis. Also called: Juvenile Nephronophthisis. Identifiers: Orphanet 655, MedGen C0687120, MONDO:0019005, HP:0000090.

Submission:

Labcorp Genetics (formerly Invitae), Labcorp
Classification: Uncertain significance for Nephronophthisis. Last evaluated: 2025-06-12. Review status: criteria provided, single submitter. Criteria: Invitae Variant Classification Sherloc (09022015). Collection method: clinical testing. Allele origin: germline.
Comment: This sequence change replaces methionine, which is neutral and non-polar, with threonine, which is neutral and polar, at codon 583 of the NPHP3 protein (p.Met583Thr). This variant is not present in population databases (gnomAD no frequency). This variant has not been reported in the literature in individuals affected with NPHP3-related conditions. ClinVar contains an entry for this variant (Variation ID: 1716939). Invitae Evidence Modeling of protein sequence and biophysical properties (such as structural, functional, and spatial information, amino acid conservation, physicochemical variation, residue mobility, and thermodynamic stability) indicates that this missense variant is not expected to disrupt NPHP3 protein function with a negative predictive value of 80%. In summary, the available evidence is currently insufficient to determine the role of this variant in disease. Therefore, it has been classified as a Variant of Uncertain Significance.